The following is an entry in ClinVar:

NM_001111125.3(IQSEC2):c.765C>A (p.Asp255Glu)

Gene: IQSEC2 (IQ motif and Sec7 domain ArfGEF 2; minus strand). Cytogenetic location: Xp11.22.
Variant type: single nucleotide variant.
Coding change: c.765C>A on transcript NM_001111125.3 (MANE Select); coding-DNA position 765, C replaced by A.
Protein change: p.Asp255Glu; replaces aspartic acid 255 with glutamic acid.
Molecular consequence: missense variant.
Genome position (GRCh38, 1-based): chrX:53,256,034, G>T on the plus strand (C>A on the coding strand, the complement: IQSEC2 is on the minus strand). VCF-style: chrX-53256034-G-T. GRCh37 (hg19) VCF-style: chrX-53285216-G-T.
Other names: c.765C>A, p.Asp255Glu (NM_001410736.1); c.150C>A, p.Asp50Glu (NM_015075.2); short protein forms D255E, D50E.
Identifiers: ClinVar variation 2126485 (VCV002126485.4), dbSNP rs2519854745, ClinGen allele CA413172343.

ClinVar aggregate classification (germline): Uncertain significance (1 of 4 stars; one submission).

Conditions:
Intellectual developmental disorder, X-linked 1. Also called: Atkin Flaitz Patil Smith syndrome; Intellectual disability, X-linked 1; MENTAL RETARDATION, X-LINKED 18; MENTAL RETARDATION, X-LINKED 78. Identifiers: Orphanet 777, MedGen C2931498, MONDO:0010656, OMIM 309530.

Submission:

Labcorp Genetics (formerly Invitae), Labcorp
Classification: Uncertain significance for Intellectual developmental disorder, X-linked 1. Last evaluated: 2022-04-15. Review status: criteria provided, single submitter. Criteria: Invitae Variant Classification Sherloc (09022015). Collection method: clinical testing. Allele origin: germline.
Comment: In summary, the available evidence is currently insufficient to determine the role of this variant in disease. Therefore, it has been classified as a Variant of Uncertain Significance. Advanced modeling of protein sequence and biophysical properties (such as structural, functional, and spatial information, amino acid conservation, physicochemical variation, residue mobility, and thermodynamic stability) performed at Invitae indicates that this missense variant is not expected to disrupt IQSEC2 protein function. This variant has not been reported in the literature in individuals affected with IQSEC2-related conditions. This variant is not present in population databases (gnomAD no frequency). This sequence change replaces aspartic acid, which is acidic and polar, with glutamic acid, which is acidic and polar, at codon 255 of the IQSEC2 protein (p.Asp255Glu).